The following is an entry in ClinVar:

ClinVar aggregate classification (germline): Uncertain significance (1 of 4 stars; one submission).

Submission:

GeneDx
Classification: Uncertain significance. Last evaluated: 2022-11-22. Review status: criteria provided, single submitter. Criteria: GeneDx Variant Classification Process June 2021. Collection method: clinical testing. Allele origin: germline. Affected: yes.
Comment: Not observed at significant frequency in large population cohorts (gnomAD); In silico analysis supports that this missense variant does not alter protein structure/function; Has not been previously published as pathogenic or benign to our knowledge

NM_001080453.3(INTS1):c.4617C>G (p.Asp1539Glu)

Gene: INTS1 (integrator complex subunit 1; minus strand). Cytogenetic location: 7p22.3.
Variant type: single nucleotide variant.
Coding change: c.4617C>G on transcript NM_001080453.3 (MANE Select); coding-DNA position 4617, C replaced by G.
Protein change: p.Asp1539Glu; replaces aspartic acid 1539 with glutamic acid.
Molecular consequence: missense variant.
Genome position (GRCh38, 1-based): chr7:1,478,379, G>C on the plus strand (C>G on the coding strand, the complement: INTS1 is on the minus strand). VCF-style: chr7-1478379-G-C. GRCh37 (hg19) VCF-style: chr7-1518015-G-C.
Other names: c.1134C>G, p.Asp378Glu (NM_015674.1); short protein forms D1539E, D378E.
Identifiers: ClinVar variation 2502508 (VCV002502508.1), dbSNP rs770620758, ClinGen allele CA366585604.